The following is an entry in ClinVar:

NM_005585.5(SMAD6):c.1051_1054dup (p.Gln352fs)

Gene: SMAD6 (SMAD family member 6; plus strand). Cytogenetic location: 15q22.31.
Variant type: Duplication.
Coding change: c.1051_1054dup on transcript NM_005585.5 (MANE Select); coding-DNA positions 1051 to 1054, 4 bases duplicated (GACC; older notation c.1051_1054dupGACC).
Protein change: p.Gln352fs; shifts the reading frame from glutamine 352.
Molecular consequence: frameshift variant. On other transcripts: non-coding transcript variant (1).
Genome position (GRCh38, 1-based): chr15:66,781,095-66,781,098, GACC duplicated; duplicating any 4 consecutive bases within chr15:66,781,094-66,781,098 gives the same sequence; the c. name uses the placement nearest the transcript's 3' end. VCF-style (leftmost placement, unchanged base first): chr15-66781093-A-ACGAC. GRCh37 (hg19) VCF-style: chr15-67073431-A-ACGAC.
Other names: short protein forms Q352fs.
Identifiers: ClinVar variation 3661663 (VCV003661663.2).

ClinVar aggregate classification (germline): Uncertain significance (1 of 4 stars; one submission).

Conditions:
Aortic valve disease 2 (AOVD2). Identifiers: MedGen C3542024, MONDO:0013902, OMIM 614823.

Submission:

Labcorp Genetics (formerly Invitae), Labcorp
Classification: Uncertain significance for Aortic valve disease 2. Last evaluated: 2024-08-07. Review status: criteria provided, single submitter. Criteria: Invitae Variant Classification Sherloc (09022015). Collection method: clinical testing. Allele origin: germline.
Comment: This sequence change results in a frameshift in the SMAD6 gene (p.Gln352Argfs*214). While this is not anticipated to result in nonsense mediated decay, it is expected to disrupt the last 145 amino acid(s) of the SMAD6 protein and extend the protein by 68 additional amino acid residues. This variant is not present in population databases (gnomAD no frequency). This variant has not been reported in the literature in individuals affected with SMAD6-related conditions. Experimental studies and prediction algorithms are not available or were not evaluated, and the functional significance of this variant is currently unknown. In summary, the available evidence is currently insufficient to determine the role of this variant in disease. Therefore, it has been classified as a Variant of Uncertain Significance.